The following is an entry in ClinVar:

ClinVar aggregate classification (germline): Uncertain significance (1 of 4 stars; one submission).

gnomAD v4.1: 1 of 1,612,848 alleles (0.000062%); highest among the groups gnomAD compares: South Asian, 0.0011%; no homozygotes.

Submission:

GeneDx
Classification: Uncertain significance. Last evaluated: 2024-02-07. Review status: criteria provided, single submitter. Criteria: GeneDx Variant Classification Process June 2021. Collection method: clinical testing. Allele origin: germline. Affected: yes.
Comment: Not observed at significant frequency in large population cohorts (gnomAD); In silico analysis supports that this missense variant has a deleterious effect on protein structure/function; Has not been previously published as pathogenic or benign to our knowledge

NM_001126108.2(SLC12A3):c.2198T>C (p.Met733Thr)

Gene: SLC12A3 (solute carrier family 12 member 3; plus strand). Cytogenetic location: 16q13.
Variant type: single nucleotide variant.
Coding change: c.2198T>C on transcript NM_001126108.2 (MANE Select); coding-DNA position 2198, T replaced by C.
Protein change: p.Met733Thr; replaces methionine 733 with threonine.
Molecular consequence: missense variant.
Genome position (GRCh38, 1-based): chr16:56,887,944, T>C. VCF-style: chr16-56887944-T-C. GRCh37 (hg19) VCF-style: chr16-56921856-T-C.
Other names: c.2198T>C, p.Met733Thr (NM_000339.3); c.2195T>C, p.Met732Thr (NM_001126107.2, NM_001410896.1); short protein forms M732T, M733T.
Identifiers: ClinVar variation 3367620 (VCV003367620.1).